The following is an entry in ClinVar:

ClinVar aggregate classification (germline): Likely benign (1 of 4 stars; one submission).

Conditions:
Geroderma osteodysplastica (GO). Also called: WALT DISNEY DWARFISM; Geroderma osteodysplasticum. Identifiers: Orphanet 2078, MedGen C0432255, MONDO:0009271, OMIM 231070.

gnomAD v4.1: 30 of 1,613,974 alleles (0.0019%); highest among the groups gnomAD compares: South Asian, 0.031%; no homozygotes.

Submission:

Centre for Medical Genetics,  Mumbai
Classification: Likely benign for Geroderma osteodysplastica. Last evaluated: 2026-02-20. Review status: criteria provided, single submitter. Criteria: ACMG Guidelines, 2015. Collection method: provider interpretation. Allele origin: germline. Inheritance: Autosomal recessive inheritance. Affected: no. Observed: 1 homozygote.
Comment: The variant satisfies PM2 criteria; extremely low frequency in gnomAD population databases. However, the variant satisfies BS2 criteria.

Literature cited by the submitters: PubMed 18997784.

NM_152281.3(GORAB):c.280C>G (p.Pro94Ala)

Gene: GORAB (golgin, RAB6 interacting; plus strand). Cytogenetic location: 1q24.2.
Variant type: single nucleotide variant.
Coding change: c.280C>G on transcript NM_152281.3 (MANE Select); coding-DNA position 280, C replaced by G.
Protein change: p.Pro94Ala; replaces proline 94 with alanine.
Molecular consequence: missense variant. On other transcripts: 5 prime UTR variant (1), non-coding transcript variant (1).
Genome position (GRCh38, 1-based): chr1:170,539,428, C>G. VCF-style: chr1-170539428-C-G. GRCh37 (hg19) VCF-style: chr1-170508569-C-G.
Other names: c.280C>G, p.Pro94Ala (NM_001146039.2); c.-186C>G (NM_001320252.2); c.229C>G, p.Pro77Ala (NM_001410894.1); short protein forms P77A, P94A.
Identifiers: ClinVar variation 4796493 (VCV004796493.1).
Genomic context (GRCh38, chr1:170,539,428, plus strand): 5'-AACGTTCAAAAACCACCTTTTTCTTCCCCTACTCTTCCGAGTCATTTCACTCTCACCTCC[C>G]CCGTTGGTGATGGACAACCACAGGGCATTGAAAGTCAGCCAAAGGAACTGGGACTTGAGA-3'
Protein context (NP_689494.3, residues 84-104): TLPSHFTLTS[Pro94Ala]VGDGQPQGIE